The following is an entry in ClinVar:

NM_001142800.2(EYS):c.1480C>T (p.Gln494Ter)

Gene: EYS (EGF-like photoreceptor maintenance factor; minus strand). Cytogenetic location: 6q12.
Variant type: single nucleotide variant.
Coding change: c.1480C>T on transcript NM_001142800.2 (MANE Select); coding-DNA position 1480, C replaced by T.
Protein change: p.Gln494Ter; replaces glutamine 494 with a stop codon.
Molecular consequence: nonsense.
Genome position (GRCh38, 1-based): chr6:65,344,157, G>A on the plus strand (C>T on the coding strand, the complement: EYS is on the minus strand). VCF-style: chr6-65344157-G-A. GRCh37 (hg19) VCF-style: chr6-66054050-G-A.
Other names: c.1480C>T (NM_001142800.1); c.1480C>T, p.Gln494Ter (NM_001142801.2, NM_001292009.2, NM_198283.2); short protein forms Q494*.
Identifiers: ClinVar variation 1383249 (VCV001383249.9), dbSNP rs1207818522, ClinGen allele CA364661544.
Genomic context (GRCh38, chr6:65,344,157, plus strand): 5'-CATAGGTTGCATCTTCAGTGCAGTTTGCAGCCAGAAAGAAATAGGCATCAATAACCCCTT[G>A]GCACTTTTCGCCTTCAGATCCTTTAAAAAAAAAGAGATAAAAAATTAAATAAACTCTTAC-3'

ClinVar aggregate classification (germline): Pathogenic/Likely pathogenic. Review status: criteria provided, multiple submitters, no conflicts (2 of 4 stars). 4 submissions from 4 submitters: Pathogenic (1); Likely pathogenic (3). Last evaluated 2025-08-14.

Conditions:
Retinitis pigmentosa 25 (RP25). Identifiers: Orphanet 791, MedGen C1864446, MONDO:0011272, OMIM 602772.

Submissions (4):

Natera, Inc.
Classification: Likely pathogenic for Retinitis pigmentosa type 25. Last evaluated: 2025-08-14. Review status: criteria provided, single submitter. Criteria: Natera Variant Classification Schema (03/2026). Collection method: clinical testing. Allele origin: germline.
Comment: The c.1480C>T variant in EYS is a nonsense variant predicted to introduce a stop codon at amino acid 494. This variant is expected to result in nonsense mediated decay, truncation, or a dysfunctional protein product. This variant is rare in the general population with a frequency below the threshold expected for the associated phenotype(s). Given the available evidence, this variant is classified as Likely Pathogenic.

Labcorp Genetics (formerly Invitae), Labcorp
Classification: Pathogenic. Last evaluated: 2025-05-21. Review status: criteria provided, single submitter. Criteria: Invitae Variant Classification Sherloc (09022015). Collection method: clinical testing. Allele origin: germline.
Comment: This sequence change creates a premature translational stop signal (p.Gln494*) in the EYS gene. It is expected to result in an absent or disrupted protein product. Loss-of-function variants in EYS are known to be pathogenic (PMID: 18836446, 20333770). This variant is not present in population databases (gnomAD no frequency). This variant has not been reported in the literature in individuals affected with EYS-related conditions. ClinVar contains an entry for this variant (Variation ID: 1383249). For these reasons, this variant has been classified as Pathogenic.

Fulgent Genetics
Classification: Likely pathogenic for Retinitis pigmentosa 25. Last evaluated: 2024-04-10. Review status: criteria provided, single submitter. Criteria: ACMG Guidelines, 2015. Collection method: clinical testing. Allele origin: germline.

Baylor Genetics
Classification: Likely pathogenic for Retinitis pigmentosa 25. Last evaluated: 2024-03-06. Review status: criteria provided, single submitter. Criteria: ACMG Guidelines, 2015. Collection method: clinical testing. Allele origin: unknown.

Literature cited by the submitters: PubMed 18836446 (cited by Labcorp Genetics (formerly Invitae), Labcorp); PubMed 20333770 (cited by Labcorp Genetics (formerly Invitae), Labcorp).